The following is an entry in ClinVar:

ClinVar aggregate classification (germline): Uncertain significance. Review status: criteria provided, multiple submitters, no conflicts (2 of 4 stars). 2 submissions from 2 submitters: Uncertain significance (2). Last evaluated 2025-03-05.

Conditions:
Cataract 18 (CATC2). Also called: CATARACT 18, AUTOSOMAL RECESSIVE. Identifiers: Orphanet 91492, Orphanet 98991, Orphanet 98992, Orphanet 98995, MedGen C1864908, MONDO:0012395, OMIM 610019.
Inborn genetic diseases. Identifiers: MedGen C0950123, MeSH D030342.

Allele frequency attached by ClinVar (database versions not stated): ExAC 0.00001; gnomAD 0.00001; gnomAD exomes 0.00001 and 0.00003; TOPMed 0.00003; ESP Exome Variant Server 0.00008.
gnomAD v4.1: 12 of 1,614,084 alleles (0.00074%); highest among the groups gnomAD compares: Admixed American, 0.013%; no homozygotes.

Submissions (2):

Ambry Genetics
Classification: Uncertain significance for Inborn genetic diseases. Last evaluated: 2025-03-05. Review status: criteria provided, single submitter. Criteria: Ambry Variant Classification Scheme 2023. Collection method: clinical testing. Allele origin: germline.

Labcorp Genetics (formerly Invitae), Labcorp
Classification: Uncertain significance for Cataract 18. Last evaluated: 2017-02-25. Review status: criteria provided, single submitter. Criteria: Invitae Variant Classification Sherloc (09022015). Collection method: clinical testing. Allele origin: germline.
Comment: In summary, this variant is a rare missense change with uncertain impact on protein function. There is no indication that it causes disease, but the available evidence is currently insufficient to prove that conclusively. Therefore, it has been classified as a Variant of Uncertain Significance. Algorithms developed to predict the effect of missense changes on protein structure and function do not agree on the potential impact of this missense change (SIFT: "Deleterious"; PolyPhen-2: "Possibly Damaging"; Align-GVGD: "Class C0"). This variant is present in population databases (rs150218695, ExAC 0.009%) but has not been reported in the literature in individuals with a FYCO1-related disease. This sequence change replaces threonine with isoleucine at codon 211 of the FYCO1 protein (p.Thr211Ile). The threonine residue is moderately conserved and there is a moderate physicochemical difference between threonine and isoleucine.

NM_024513.4(FYCO1):c.632C>T (p.Thr211Ile)

Gene: FYCO1 (FYVE and coiled-coil domain autophagy adaptor 1; minus strand). Cytogenetic location: 3p21.31.
Variant type: single nucleotide variant.
Coding change: c.632C>T on transcript NM_024513.4 (MANE Select); coding-DNA position 632, C replaced by T.
Protein change: p.Thr211Ile; replaces threonine 211 with isoleucine.
Molecular consequence: missense variant.
Genome position (GRCh38, 1-based): chr3:45,968,702, G>A on the plus strand (C>T on the coding strand, the complement: FYCO1 is on the minus strand). VCF-style: chr3-45968702-G-A. GRCh37 (hg19) VCF-style: chr3-46010194-G-A.
Other names: c.632C>T (NM_024513.2); short protein forms T211I.
Identifiers: ClinVar variation 468450 (VCV000468450.6), dbSNP rs150218695, ClinGen allele CA2353401.
Genomic context (GRCh38, chr3:45,968,702, plus strand): 5'-CCCTCCAATGCCTCGTTGTTTAGGGGGCTGTTCAGGTCAAAGTTGGACACCATCTCTTGA[G>A]TCTGGGAGGGAAAACACAAAAGACAAGTGGCTTTAGGATGAAGCTACAGGGCTATTTAGA-3'
Protein context (NP_078789.2, residues 201-221): MSSLVSSYLQ[Thr211Ile]QEMVSNFDLN